The following is an entry in ClinVar:

ClinVar aggregate classification (germline): Uncertain significance (1 of 4 stars; one submission).

Submission:

Labcorp Genetics (formerly Invitae), Labcorp
Classification: Uncertain significance. Last evaluated: 2025-05-23. Review status: criteria provided, single submitter. Criteria: Invitae Variant Classification Sherloc (09022015). Collection method: clinical testing. Allele origin: germline.
Comment: This sequence change replaces threonine, which is neutral and polar, with methionine, which is neutral and non-polar, at codon 238 of the KLF10 protein (p.Thr238Met). This variant is present in population databases (rs759489236, gnomAD 0.003%). This variant has not been reported in the literature in individuals affected with KLF10-related conditions. An algorithm developed to predict the effect of missense changes on protein structure and function (PolyPhen-2) suggests that this variant is likely to be disruptive. In summary, the available evidence is currently insufficient to determine the role of this variant in disease. Therefore, it has been classified as a Variant of Uncertain Significance.

NM_005655.4(KLF10):c.713C>T (p.Thr238Met)

Gene: KLF10 (KLF transcription factor 10; minus strand). Cytogenetic location: 8q22.3.
Variant type: single nucleotide variant.
Coding change: c.713C>T on transcript NM_005655.4 (MANE Select); coding-DNA position 713, C replaced by T.
Protein change: p.Thr238Met; replaces threonine 238 with methionine.
Molecular consequence: missense variant.
Genome position (GRCh38, 1-based): chr8:102,651,619, G>A on the plus strand (C>T on the coding strand, the complement: KLF10 is on the minus strand). VCF-style: chr8-102651619-G-A. GRCh37 (hg19) VCF-style: chr8-103663847-G-A.
Other names: c.680C>T, p.Thr227Met (NM_001032282.4); short protein forms T238M, T227M.
Identifiers: ClinVar variation 4698259 (VCV004698259.1).